The following is an entry in ClinVar:

NM_001365951.3(KIF1B):c.1144C>G (p.Leu382Val)

Gene: KIF1B (kinesin family member 1B; plus strand). Cytogenetic location: 1p36.22.
Variant type: single nucleotide variant.
Coding change: c.1144C>G on transcript NM_001365951.3 (MANE Select); coding-DNA position 1144, C replaced by G.
Protein change: p.Leu382Val; replaces leucine 382 with valine.
Molecular consequence: missense variant.
Genome position (GRCh38, 1-based): chr1:10,278,092, C>G. VCF-style: chr1-10278092-C-G. GRCh37 (hg19) VCF-style: chr1-10338150-C-G.
Other names: c.1144C>G, p.Leu382Val (NM_001365952.1); c.1126C>G, p.Leu376Val (NM_001365953.1, NM_015074.3, NM_183416.4); short protein forms L376V, L382V.
Identifiers: ClinVar variation 4844493 (VCV004844493.1).

ClinVar aggregate classification (germline): Uncertain significance (1 of 4 stars; one submission).

gnomAD v4.1: 1 of 1,614,030 alleles (0.000062%); highest among the groups gnomAD compares: Admixed American, 0.0017%; no homozygotes.

Submission:

Ambry Genetics
Classification: Uncertain significance. Last evaluated: 2026-02-16. Review status: criteria provided, single submitter. Criteria: Ambry Variant Classification Scheme 2023. Collection method: clinical testing. Allele origin: germline.
Comment: The p.L376V variant (also known as c.1126C>G), located in coding exon 11 of the KIF1B gene, results from a C to G substitution at nucleotide position 1126. The leucine at codon 376 is replaced by valine, an amino acid with highly similar properties. This amino acid position is conserved. In addition, the in silico prediction for this alteration is inconclusive. Based on the available evidence, the clinical significance of this variant remains unclear.